The following is an entry in ClinVar:

NM_014874.4(MFN2):c.-150+19C>T

Genes: MFN2 (mitofusin 2; plus strand), LOC129929424 (ATAC-STARR-seq lymphoblastoid silent region 280; plus strand). Cytogenetic location: 1p36.22.
Variant type: single nucleotide variant.
Coding change: c.-150+19C>T on transcript NM_014874.4 (MANE Select); 19 bases into the intron after 150 bases upstream of the start codon, C replaced by T.
Molecular consequence: intron variant.
Genome position (GRCh38, 1-based): chr1:11,980,503, C>T. VCF-style: chr1-11980503-C-T. GRCh37 (hg19) VCF-style: chr1-12040560-C-T.
Other names: c.-5+19C>T (NM_001127660.2).
Identifiers: ClinVar variation 379192 (VCV000379192.1), dbSNP rs776248244, ClinGen allele CA16603414.

ClinVar aggregate classification (germline): Likely benign (1 of 4 stars; one submission).

Allele frequency attached by ClinVar (database versions not stated): gnomAD exomes 0.00003; gnomAD 0.00013 and 0.00016; TOPMed 0.00021.
gnomAD v4.1: 30 of 398,134 alleles (0.0075%); highest among the groups gnomAD compares: African/African-American, 0.045%; no homozygotes.

Submission:

GeneDx
Classification: Likely benign. Last evaluated: 2016-08-23. Review status: criteria provided, single submitter. Criteria: GeneDx Variant Classification (06012015). Collection method: clinical testing. Allele origin: germline. Affected: yes.
Comment: This variant is considered likely benign or benign based on one or more of the following criteria: it is a conservative change, it occurs at a poorly conserved position in the protein, it is predicted to be benign by multiple in silico algorithms, and/or has population frequency not consistent with disease.